The following is an entry in ClinVar:

ClinVar aggregate classification (germline): Likely benign (1 of 4 stars; one submission).

Submission:

CeGaT Center for Human Genetics Tuebingen
Classification: Likely benign. Last evaluated: 2026-05-01. Review status: criteria provided, single submitter. Criteria: CeGaT Center For Human Genetics Tuebingen Variant Classification Criteria Version 2. Collection method: clinical testing. Allele origin: germline. Affected: yes. Observed: 1 variant allele.
Comment: RHOBTB2: BP4, BP7

NM_015178.3(RHOBTB2):c.1023A>G (p.Arg341=)

Gene: RHOBTB2 (Rho related BTB domain containing 2; plus strand). Cytogenetic location: 8p21.3.
Variant type: single nucleotide variant.
Coding change: c.1023A>G on transcript NM_015178.3 (MANE Select); coding-DNA position 1023, A replaced by G.
Protein change: p.Arg341=; no amino-acid change (arginine 341 retained).
Molecular consequence: synonymous variant.
Genome position (GRCh38, 1-based): chr8:23,007,268, A>G. VCF-style: chr8-23007268-A-G. GRCh37 (hg19) VCF-style: chr8-22864781-A-G.
Other names: c.1089A>G, p.Arg363= (NM_001160036.2); c.1044A>G, p.Arg348= (NM_001160037.2); c.1023A>G, p.Arg341= (NM_001374791.1).
Identifiers: ClinVar variation 4873335 (VCV004873335.2).